The following is an entry in ClinVar:

NM_000093.5(COL5A1):c.3116G>A (p.Gly1039Asp)

Gene: COL5A1 (collagen type V alpha 1 chain; plus strand). Cytogenetic location: 9q34.3.
Variant type: single nucleotide variant.
Coding change: c.3116G>A on transcript NM_000093.5 (MANE Select); coding-DNA position 3116, G replaced by A.
Protein change: p.Gly1039Asp; replaces glycine 1039 with aspartic acid.
Molecular consequence: missense variant.
Genome position (GRCh38, 1-based): chr9:134,804,976, G>A. VCF-style: chr9-134804976-G-A. GRCh37 (hg19) VCF-style: chr9-137696822-G-A.
Other names: c.3116G>A, p.Gly1039Asp (NM_001278074.1); short protein forms G1039D.
Identifiers: ClinVar variation 3336861 (VCV003336861.2).

ClinVar aggregate classification (germline): Likely pathogenic (1 of 4 stars; one submission).

Conditions:
Ehlers-Danlos syndrome, classic type, 1 (EDSCL1). Also called: EHLERS-DANLOS SYNDROME, GRAVIS TYPE; EHLERS-DANLOS SYNDROME, SEVERE CLASSIC TYPE; Ehlers-Danlos syndrome, type 1; Ehlers-Danlos Syndrome, Classic Type, COL5A1-Related; EDS I. Identifiers: MedGen C0268335, MONDO:0019567, OMIM 130000.

Submission:

Clinical Genetics Laboratory, Skane University Hospital Lund
Classification: Likely pathogenic for Ehlers-Danlos syndrome, classic type, 1. Last evaluated: 2026-04-09. Review status: criteria provided, single submitter. Criteria: ACMG Guidelines, 2015. Collection method: clinical testing. Allele origin: germline. Inheritance: Autosomal dominant inheritance. Affected: yes.
Comment: COL5A1 (NM_000093.5) c.3116G>A p.(Gly1039Asp) represents a nucleotide substitution in exon 40 of 66, which leads to the amino acid change described above and is predicted to be damaging to the function of the protein. The variant replaces a glycine in a Gly-X-Y domain, which is important for the structure and function of the collagen protein. COL5A1 c.3116G>A has not been detected in the general population.